The following is an entry in ClinVar:

ClinVar aggregate classification (germline): Pathogenic/Likely pathogenic. Review status: criteria provided, multiple submitters, no conflicts (2 of 4 stars). 3 submissions from 3 submitters: Pathogenic (2); Likely pathogenic (1). Last evaluated 2024-01-31.

Conditions:
Cohen syndrome (COH1). Also called: PEPPER SYNDROME; Cutis verticis gyrata, retinitis pigmentosa, and sensorineural deafness. Identifiers: Orphanet 193, MedGen C0265223, MONDO:0008999, OMIM 216550.

Submissions (3):

Fulgent Genetics
Classification: Likely pathogenic for Cohen syndrome. Last evaluated: 2024-01-31. Review status: criteria provided, single submitter. Criteria: ACMG Guidelines, 2015. Collection method: clinical testing. Allele origin: germline.

Labcorp Genetics (formerly Invitae), Labcorp
Classification: Pathogenic for Cohen syndrome. Last evaluated: 2023-10-14. Review status: criteria provided, single submitter. Criteria: Invitae Variant Classification Sherloc (09022015). Collection method: clinical testing. Allele origin: germline.
Comment: This sequence change creates a premature translational stop signal (p.Gln3237*) in the VPS13B gene. It is expected to result in an absent or disrupted protein product. Loss-of-function variants in VPS13B are known to be pathogenic (PMID: 15141358, 16648375, 20461111). This variant is not present in population databases (gnomAD no frequency). This variant has not been reported in the literature in individuals affected with VPS13B-related conditions. ClinVar contains an entry for this variant (Variation ID: 620087). For these reasons, this variant has been classified as Pathogenic.

GeneDx
Classification: Pathogenic. Last evaluated: 2018-07-11. Review status: criteria provided, single submitter. Criteria: GeneDx Variant Classification (06012015). Collection method: clinical testing. Allele origin: germline. Affected: yes.
Comment: The Q3237X variant in the VPS13B gene has not been reported previously as a pathogenic variant nor as a benign variant, to our knowledge. This variant is predicted to cause loss of normal protein function either through protein truncation or nonsense-mediated mRNA decay. The Q3237X variant is not observed in large population cohorts (Lek et al., 2016). We interpret Q3237X as a pathogenic variant.

Literature cited by the submitters: PubMed 15141358 (cited by Labcorp Genetics (formerly Invitae), Labcorp); PubMed 16648375 (cited by Labcorp Genetics (formerly Invitae), Labcorp); PubMed 20461111 (cited by Labcorp Genetics (formerly Invitae), Labcorp).

NM_152564.5(VPS13B):c.9634C>T (p.Gln3212Ter)

Gene: VPS13B (vacuolar protein sorting 13 homolog B; plus strand). Cytogenetic location: 8q22.2.
Variant type: single nucleotide variant.
Coding change: c.9634C>T on transcript NM_152564.5 (MANE Select); coding-DNA position 9634, C replaced by T.
Protein change: p.Gln3212Ter; replaces glutamine 3212 with a stop codon.
Molecular consequence: nonsense.
Genome position (GRCh38, 1-based): chr8:99,835,216, C>T. VCF-style: chr8-99835216-C-T. GRCh37 (hg19) VCF-style: chr8-100847444-C-T.
Other names: c.9709C>T, p.Gln3237Ter (NM_017890.5); c.9709C>T (NM_017890.4); short protein forms Q3212*, Q3237*.
Identifiers: ClinVar variation 620087 (VCV000620087.5), dbSNP rs1563499381, ClinGen allele CA371782420.